The following is an entry in ClinVar:

NM_021098.3(CACNA1H):c.3614G>T (p.Arg1205Leu)

Gene: CACNA1H (calcium voltage-gated channel subunit alpha1 H; plus strand). Cytogenetic location: 16p13.3.
Variant type: single nucleotide variant.
Coding change: c.3614G>T on transcript NM_021098.3 (MANE Select); coding-DNA position 3614, G replaced by T.
Protein change: p.Arg1205Leu; replaces arginine 1205 with leucine.
Molecular consequence: missense variant.
Genome position (GRCh38, 1-based): chr16:1,209,282, G>T. VCF-style: chr16-1209282-G-T. GRCh37 (hg19) VCF-style: chr16-1259282-G-T.
Other names: c.3614G>T, p.Arg1205Leu (NM_001005407.2); short protein forms R1205L.
Identifiers: ClinVar variation 1434906 (VCV001434906.8), dbSNP rs58594334, ClinGen allele CA394174151.
Genomic context (GRCh38, chr16:1,209,282, plus strand): 5'-CGCCCGGGCCCCGTGCCACCCCACTGCGGCGGGCCGAGTCCCTGGACCCACGGCCCCTGC[G>T]GCCGGCCGCCCTCCCGCCTACCAAGTGCCGCGATCGCGACGGGCAGGTGGTGGCCCTGCC-3'
Protein context (NP_066921.2, residues 1195-1215): RAESLDPRPL[Arg1205Leu]PAALPPTKCR

ClinVar aggregate classification (germline): Uncertain significance (1 of 4 stars; one submission).

Conditions:
Idiopathic generalized epilepsy. Also called: EIG; Generalised epilepsy. Identifiers: MedGen C0270850, MONDO:0005579, OMIM 600669.
Hyperaldosteronism, familial, type IV (HALD4). Also called: FH IV; ALDOSTERONISM, PRIMARY, AND HYPERTENSION. Identifiers: Orphanet 642671, MedGen C4310756, MONDO:0014875, OMIM 617027.

Submission:

Labcorp Genetics (formerly Invitae), Labcorp
Classification: Uncertain significance for Idiopathic generalized epilepsy; Hyperaldosteronism, familial, type IV. Last evaluated: 2022-08-09. Review status: criteria provided, single submitter. Criteria: Invitae Variant Classification Sherloc (09022015). Collection method: clinical testing. Allele origin: germline.
Comment: In summary, the available evidence is currently insufficient to determine the role of this variant in disease. Therefore, it has been classified as a Variant of Uncertain Significance. Advanced modeling of protein sequence and biophysical properties (such as structural, functional, and spatial information, amino acid conservation, physicochemical variation, residue mobility, and thermodynamic stability) performed at Invitae indicates that this missense variant is not expected to disrupt CACNA1H protein function. ClinVar contains an entry for this variant (Variation ID: 1434906). This variant has not been reported in the literature in individuals affected with CACNA1H-related conditions. This variant is not present in population databases (gnomAD no frequency). This sequence change replaces arginine, which is basic and polar, with leucine, which is neutral and non-polar, at codon 1205 of the CACNA1H protein (p.Arg1205Leu).